The following is an entry in ClinVar:

ClinVar aggregate classification (germline): Uncertain significance (1 of 4 stars; one submission).

Submission:

Labcorp Genetics (formerly Invitae), Labcorp
Classification: Uncertain significance. Last evaluated: 2025-10-27. Review status: criteria provided, single submitter. Criteria: Invitae Variant Classification Sherloc (09022015). Collection method: clinical testing. Allele origin: germline.
Comment: This sequence change replaces threonine, which is neutral and polar, with lysine, which is basic and polar, at codon 1790 of the MYH3 protein (p.Thr1790Lys). This variant is not present in population databases (gnomAD no frequency). This variant has not been reported in the literature in individuals affected with MYH3-related conditions. ClinVar contains an entry for this variant (Variation ID: 2839555). Invitae Evidence Modeling of protein sequence and biophysical properties (such as structural, functional, and spatial information, amino acid conservation, physicochemical variation, residue mobility, and thermodynamic stability) indicates that this missense variant is not expected to disrupt MYH3 protein function with a negative predictive value of 95%. In summary, the available evidence is currently insufficient to determine the role of this variant in disease. Therefore, it has been classified as a Variant of Uncertain Significance.

NM_002470.4(MYH3):c.5369C>A (p.Thr1790Lys)

Gene: MYH3 (myosin heavy chain 3; minus strand). Cytogenetic location: 17p13.1.
Variant type: single nucleotide variant.
Coding change: c.5369C>A on transcript NM_002470.4 (MANE Select); coding-DNA position 5369, C replaced by A.
Protein change: p.Thr1790Lys; replaces threonine 1790 with lysine.
Molecular consequence: missense variant.
Genome position (GRCh38, 1-based): chr17:10,630,376, G>T on the plus strand (C>A on the coding strand, the complement: MYH3 is on the minus strand). VCF-style: chr17-10630376-G-T. GRCh37 (hg19) VCF-style: chr17-10533693-G-T.
Other names: short protein forms T1790K.
Identifiers: ClinVar variation 2839555 (VCV002839555.3), dbSNP rs765724529, ClinGen allele CA398131344.